The following is an entry in ClinVar:

ClinVar aggregate classification (germline): Uncertain significance (1 of 4 stars; one submission).

Conditions:
Chédiak-Higashi syndrome (CHS). Also called: Chediak-Higashi Syndrome. Identifiers: Orphanet 167, MedGen C0007965, MONDO:0008963, OMIM 214500.

Submission:

Labcorp Genetics (formerly Invitae), Labcorp
Classification: Uncertain significance for Chédiak-Higashi syndrome. Last evaluated: 2020-08-30. Review status: criteria provided, single submitter. Criteria: Invitae Variant Classification Sherloc (09022015). Collection method: clinical testing. Allele origin: germline.
Comment: In summary, the available evidence is currently insufficient to determine the role of this variant in disease. Therefore, it has been classified as a Variant of Uncertain Significance. Algorithms developed to predict the effect of missense changes on protein structure and function (SIFT, PolyPhen-2, Align-GVGD) all suggest that this variant is likely to be tolerated, but these predictions have not been confirmed by published functional studies and their clinical significance is uncertain. This variant has not been reported in the literature in individuals with LYST-related conditions. This variant is not present in population databases (ExAC no frequency). This sequence change replaces alanine with serine at codon 635 of the LYST protein (p.Ala635Ser). The alanine residue is moderately conserved and there is a moderate physicochemical difference between alanine and serine.

NM_000081.4(LYST):c.1903G>T (p.Ala635Ser)

Gene: LYST (lysosomal trafficking regulator; minus strand). Cytogenetic location: 1q42.3.
Variant type: single nucleotide variant.
Coding change: c.1903G>T on transcript NM_000081.4 (MANE Select); coding-DNA position 1903, G replaced by T.
Protein change: p.Ala635Ser; replaces alanine 635 with serine.
Molecular consequence: missense variant.
Genome position (GRCh38, 1-based): chr1:235,808,915, C>A on the plus strand (G>T on the coding strand, the complement: LYST is on the minus strand). VCF-style: chr1-235808915-C-A. GRCh37 (hg19) VCF-style: chr1-235972215-C-A.
Other names: c.1903G>T, p.Ala635Ser (NM_001301365.1); short protein forms A635S.
Identifiers: ClinVar variation 1059407 (VCV001059407.8), dbSNP rs200044710, ClinGen allele CA344961386.